The following is an entry in ClinVar:

NM_000059.4(BRCA2):c.4411A>T (p.Arg1471Ter)

Gene: BRCA2 (BRCA2 DNA repair associated; plus strand). Cytogenetic location: 13q13.1.
Variant type: single nucleotide variant.
Coding change: c.4411A>T on transcript NM_000059.4 (MANE Select); coding-DNA position 4411, A replaced by T.
Protein change: p.Arg1471Ter; replaces arginine 1471 with a stop codon.
Molecular consequence: nonsense.
Genome position (GRCh38, 1-based): chr13:32,338,766, A>T. VCF-style: chr13-32338766-A-T. GRCh37 (hg19) VCF-style: chr13-32912903-A-T.
Other names: short protein forms R1471*.
Identifiers: ClinVar variation 483086 (VCV000483086.8), dbSNP rs1555283772, ClinGen allele CA387781188.

ClinVar aggregate classification (germline): Pathogenic. Review status: criteria provided, multiple submitters, no conflicts (2 of 4 stars). 4 submissions from 4 submitters: Pathogenic (4). Last evaluated 2026-06-08.

Conditions:
Familial cancer of breast. Also called: BREAST CANCER, FAMILIAL; hereditary breast carcinoma; Hereditary breast cancer. Identifiers: Orphanet 227535, MedGen C0346153, MONDO:0016419, OMIM 114480. Disease mechanism: loss of function.
Hereditary cancer-predisposing syndrome. Also called: Neoplastic Syndromes, Hereditary; Hereditary neoplastic syndrome; Tumor predisposition; Hereditary Cancer Syndrome. Identifiers: Orphanet 140162, MedGen C0027672, MeSH D009386, MONDO:0015356.

Allele frequency attached by ClinVar (database versions not stated): TOPMed below 0.00001.

Submissions (4):

Department of Clinical Genetics, Copenhagen University Hospital, Rigshospitalet
Classification: Pathogenic for Familial cancer of breast. Last evaluated: 2026-06-08. Review status: criteria provided, single submitter. Criteria: ACMG Guidelines, 2015. Collection method: clinical testing. Allele origin: germline.
Comment: The following ACMG criteria has been used: PM2_SUP (not reported in gnomAD v.4.1); PVS1; PM5_PTC_Strong

Color Diagnostics, LLC DBA Color Health
Classification: Pathogenic for Hereditary cancer-predisposing syndrome. Last evaluated: 2025-05-27. Review status: criteria provided, single submitter. Criteria: ACMG Guidelines, 2015. Collection method: clinical testing. Allele origin: germline.
Comment: This variant changes 1 nucleotide in exon 11/27 of the BRCA2 gene, creating a premature translation stop signal. This variant is expected to result in an absent or non-functional protein product. To our knowledge, this variant has not been reported in individuals affected with BRCA2-related disorders in the literature. This variant has not been identified in the general population by the Genome Aggregation Database (gnomAD). Loss of BRCA2 function is a known mechanism of disease. Based on the available evidence, this variant is classified as Pathogenic.

Center for Genomic Medicine, Rigshospitalet, Copenhagen University Hospital
Classification: Pathogenic. Last evaluated: 2025-03-04. Review status: criteria provided, single submitter. Criteria: ACMG Guidelines, 2015. Collection method: clinical testing. Allele origin: germline.

Ambry Genetics
Classification: Pathogenic for Hereditary cancer-predisposing syndrome. Last evaluated: 2017-03-06. Review status: criteria provided, single submitter. Criteria: Ambry Variant Classification Scheme 2023. Collection method: clinical testing. Allele origin: germline.
Comment: The p.R1471* pathogenic mutation (also known as c.4411A>T), located in coding exon 10 of the BRCA2 gene, results from an A to T substitution at nucleotide position 4411. This changes the amino acid from an arginine to a stop codon within coding exon 10. This alteration is expected to result in loss of function by premature protein truncation or nonsense-mediated mRNA decay. As such, this alteration is interpreted as a disease-causing mutation.